The following is an entry in ClinVar:

ClinVar aggregate classification (germline): Benign/Likely benign. Review status: criteria provided, multiple submitters, no conflicts (2 of 4 stars). 6 submissions from 6 submitters: Benign (5); Likely benign (1). Last evaluated 2026-02-04.

Conditions:
Nephronophthisis. Also called: Juvenile Nephronophthisis. Identifiers: Orphanet 655, MedGen C0687120, MONDO:0019005, HP:0000090.

Allele frequency attached by ClinVar (database versions not stated): 1000 Genomes Project 30x 0.00547; 1000 Genomes Project 0.00559; TOPMed 0.00946; ExAC 0.01037; gnomAD 0.01068 and 0.01096; gnomAD exomes 0.01073 and 0.01349; ESP Exome Variant Server 0.01115.
gnomAD v4.1: 20,418 of 1,554,506 alleles (1.3%); highest among the groups gnomAD compares: Non-Finnish European, 1.5%; 205 homozygotes.

Submissions (6):

Labcorp Genetics (formerly Invitae), Labcorp
Classification: Benign for Nephronophthisis. Last evaluated: 2026-02-04. Review status: criteria provided, single submitter. Criteria: Invitae Variant Classification Sherloc (09022015). Collection method: clinical testing. Allele origin: germline.

Mayo Clinic Laboratories, Mayo Clinic
Classification: Likely benign. Last evaluated: 2025-08-25. Review status: criteria provided, single submitter. Criteria: ACMG Guidelines, 2015. Collection method: clinical testing. Allele origin: germline. Observed: 6 variant alleles.
Comment: BS1, BP4, BP7

Blueprint Genetics
Classification: Benign. Last evaluated: 2024-11-25. Review status: criteria provided, single submitter. Criteria: ACMG Guidelines, 2015. Collection method: clinical testing. Allele origin: germline.

GeneDx
Classification: Benign. Last evaluated: 2016-04-05. Review status: criteria provided, single submitter. Criteria: GeneDx Variant Classification (06012015). Collection method: clinical testing. Allele origin: germline. Affected: yes.
Comment: This variant is considered likely benign or benign based on one or more of the following criteria: it is a conservative change, it occurs at a poorly conserved position in the protein, it is predicted to be benign by multiple in silico algorithms, and/or has population frequency not consistent with disease.

Breakthrough Genomics
Classification: Benign. Review status: criteria provided, single submitter. Criteria: ACMG Guidelines, 2015. Collection method: not provided. Allele origin: germline. Inheritance: Autosomal recessive inheritance. Affected: yes.

PreventionGenetics, part of Exact Sciences
Classification: Benign. Review status: criteria provided, single submitter. Criteria: ACMG Guidelines, 2015. Collection method: clinical testing. Allele origin: germline.

NM_001128178.3(NPHP1):c.1529+19C>T

Gene: NPHP1 (nephrocystin 1; minus strand). Cytogenetic location: 2q13.
Variant type: single nucleotide variant.
Coding change: c.1529+19C>T on transcript NM_001128178.3 (MANE Select); 19 bases into the intron after coding-DNA position 1529, C replaced by T.
Molecular consequence: intron variant.
Genome position (GRCh38, 1-based): chr2:110,143,523, G>A on the plus strand (C>T on the coding strand, the complement: NPHP1 is on the minus strand). VCF-style: chr2-110143523-G-A. GRCh37 (hg19) VCF-style: chr2-110901100-G-A.
Other names: p.?; c.1340+19C>T (NM_001128179.3); c.1526+19C>T (NM_001374256.1); c.1529+19C>T (NM_001374257.1); c.1694+19C>T (NM_207181.4); c.1697+19C>T (NM_000272.5, NM_000272.4).
Identifiers: ClinVar variation 255708 (VCV000255708.13), dbSNP rs112090979, ClinGen allele CA1826991.